The following is an entry in ClinVar:

NM_000057.4(BLM):c.522_523del (p.His176fs)

Gene: BLM (BLM RecQ like helicase; plus strand). Cytogenetic location: 15q26.1.
Variant type: Deletion.
Coding change: c.522_523del on transcript NM_000057.4 (MANE Select); coding-DNA positions 522 to 523, 2 bases deleted (AA; older notation c.522_523delAA).
Protein change: p.His176fs; shifts the reading frame from histidine 176.
Molecular consequence: frameshift variant. On other transcripts: 5 prime UTR variant (1).
Genome position (GRCh38, 1-based): chr15:90,749,790-90,749,791, AA deleted; deleting any 2 consecutive bases within chr15:90,749,789-90,749,791 gives the same sequence; the c. name uses the placement nearest the transcript's 3' end. VCF-style (leftmost placement, unchanged base first): chr15-90749788-CAA-C. GRCh37 (hg19) VCF-style: chr15-91293018-CAA-C.
Other names: c.522_523del, p.His176fs (NM_001287246.2, NM_001287247.2); c.-770_-769del (NM_001287248.2); short protein forms H176fs.
Identifiers: ClinVar variation 2107201 (VCV002107201.4), dbSNP rs2505393108, ClinGen allele CA2580090276.

ClinVar aggregate classification (germline): Pathogenic (1 of 4 stars; one submission).

Conditions:
Bloom syndrome (BLM). Also called: Bloom-Torre-Machacek syndrome. Identifiers: Orphanet 125, MedGen C0005859, MONDO:0008876, OMIM 210900.

Submission:

Labcorp Genetics (formerly Invitae), Labcorp
Classification: Pathogenic for Bloom syndrome. Last evaluated: 2022-03-05. Review status: criteria provided, single submitter. Criteria: Invitae Variant Classification Sherloc (09022015). Collection method: clinical testing. Allele origin: germline.
Comment: This sequence change creates a premature translational stop signal (p.His176Leufs*14) in the BLM gene. It is expected to result in an absent or disrupted protein product. Loss-of-function variants in BLM are known to be pathogenic (PMID: 17407155). For these reasons, this variant has been classified as Pathogenic. This variant has not been reported in the literature in individuals affected with BLM-related conditions. This variant is not present in population databases (gnomAD no frequency).

Literature cited by the submitters: PubMed 17407155.